The following is an entry in ClinVar:

NM_005120.3(MED12):c.3797G>A (p.Arg1266His)

Gene: MED12 (mediator complex subunit 12; plus strand). Cytogenetic location: Xq13.1.
Variant type: single nucleotide variant.
Coding change: c.3797G>A on transcript NM_005120.3 (MANE Select); coding-DNA position 3797, G replaced by A.
Protein change: p.Arg1266His; replaces arginine 1266 with histidine.
Molecular consequence: missense variant.
Genome position (GRCh38, 1-based): chrX:71,129,785, G>A. VCF-style: chrX-71129785-G-A. GRCh37 (hg19) VCF-style: chrX-70349635-G-A.
Other names: short protein forms R1266H.
Identifiers: ClinVar variation 129591 (VCV000129591.45), dbSNP rs587780391, ClinGen allele CA231288.
Genomic context (GRCh38, chrX:71,129,785, plus strand): 5'-CAGAAGAACTTCCAGAGGAGGAGGGAGGAGGTGGCAGTGGTGGTCGGAGGCAGGGTGGCC[G>A]CAACATCTCTGTGGAGACAGCCAGTCTGGATGTCTATGCCAAGTACGTGCTGCGCAGCAT-3'
Protein context (NP_005111.2, residues 1256-1276): GGSGGRRQGG[Arg1266His]NISVETASLD

ClinVar aggregate classification (germline): Conflicting classifications of pathogenicity. Review status: criteria provided, conflicting classifications (1 of 4 stars). 10 submissions from 10 submitters: Uncertain significance (2); Benign (1); Likely benign (3). 4 of the submissions do not count toward it. Last evaluated 2025-11-19.

Conditions:
MED12-Related Disorders. Also called: MED12-related condition; MED12-related disorder. Identifiers: MedGen CN381102.
FG syndrome (FGS). Identifiers: MedGen C0220769, MONDO:0002010.

Allele frequency attached by ClinVar (database versions not stated): gnomAD 0.00001 and 0.00005; 1000 Genomes Project 0.00026; TOPMed 0.00005; 1000 Genomes Project 30x 0.00021; ExAC 0.00022; gnomAD exomes 0.00013 and 0.00016.
gnomAD v4.1: 148 of 1,208,906 alleles (0.012%); highest among the groups gnomAD compares: Middle Eastern, 0.25%; 1 homozygote.

Submissions (10):

Labcorp Genetics (formerly Invitae), Labcorp
Classification: Benign for FG syndrome. Last evaluated: 2025-11-19. Review status: criteria provided, single submitter. Criteria: Invitae Variant Classification Sherloc (09022015). Collection method: clinical testing. Allele origin: germline.

CeGaT Center for Human Genetics Tuebingen
Classification: Likely benign. Last evaluated: 2024-04-01. Review status: criteria provided, single submitter. Criteria: CeGaT Center For Human Genetics Tuebingen Variant Classification Criteria Version 2. Collection method: clinical testing. Allele origin: germline. Affected: yes. Observed: 1 variant allele.
Comment: MED12: PP2, BS1

Blueprint Genetics
Classification: Likely benign. Last evaluated: 2023-12-21. Review status: criteria provided, single submitter. Criteria: ACMG Guidelines, 2015. Collection method: clinical testing. Allele origin: germline.

GeneDx
Classification: Likely benign. Last evaluated: 2021-04-13. Review status: criteria provided, single submitter. Criteria: GeneDx Variant Classification Process June 2021. Collection method: clinical testing. Allele origin: germline. Affected: yes.
Comment: This variant is associated with the following publications: (PMID: 25852444, 28454995)

Genetic Services Laboratory, University of Chicago
Classification: Uncertain significance. Last evaluated: 2014-03-27. Review status: criteria provided, single submitter. Criteria: ACMG Guidelines, 2007. Collection method: clinical testing. Allele origin: germline. Inheritance: X-linked inheritance.

Eurofins Ntd Llc (ga)
Classification: Uncertain significance. Last evaluated: 2014-03-03. Review status: criteria provided, single submitter. Criteria: EGL Classification Definitions 2015. Collection method: clinical testing. Allele origin: germline. Observed: 1 variant allele, 1 heterozygote.

PreventionGenetics, part of Exact Sciences
Classification: Likely benign for MED12-related condition. Last evaluated: 2020-03-19. Review status: no assertion criteria provided. Collection method: clinical testing. Allele origin: germline. Not counted in ClinVar's aggregate classification.
Comment: This variant is classified as likely benign based on ACMG/AMP sequence variant interpretation guidelines (Richards et al. 2015 PMID: 25741868, with internal and published modifications).

Clinical Genetics DNA and cytogenetics Diagnostics Lab, Erasmus MC, Erasmus Medical Center
Classification: Likely benign. Review status: no assertion criteria provided. Collection method: clinical testing. Allele origin: germline. Affected: yes. Study: VKGL Data-share Consensus. Not counted in ClinVar's aggregate classification.

Genome Diagnostics Laboratory, University Medical Center Utrecht
Classification: Likely benign. Review status: no assertion criteria provided. Collection method: clinical testing. Allele origin: germline. Affected: yes. Study: VKGL Data-share Consensus. Not counted in ClinVar's aggregate classification.

Joint Genome Diagnostic Labs from Nijmegen and Maastricht, Radboudumc and MUMC+
Classification: Likely benign. Review status: no assertion criteria provided. Collection method: clinical testing. Allele origin: germline. Affected: yes. Study: VKGL Data-share Consensus. Not counted in ClinVar's aggregate classification.